The following is an entry in ClinVar:

NM_183050.4(BCKDHB):c.857del (p.Glu286fs)

Gene: BCKDHB (branched chain keto acid dehydrogenase E1 subunit beta; plus strand). Cytogenetic location: 6q14.1.
Variant type: Deletion.
Coding change: c.857del on transcript NM_183050.4 (MANE Select); coding-DNA position 857, one base deleted (A; older notation c.857delA).
Protein change: p.Glu286fs; shifts the reading frame from glutamic acid 286.
Molecular consequence: frameshift variant. On other transcripts: non-coding transcript variant (6).
Genome position (GRCh38, 1-based): chr6:80,203,118, A deleted. VCF-style (leftmost placement, unchanged base first): chr6-80203117-GA-G. GRCh37 (hg19) VCF-style: chr6-80912834-GA-G.
Other names: c.857del, p.Glu286fs (NM_000056.5, NM_001424035.1, NM_001424036.1 and 7 more transcripts); c.647del, p.Glu216fs (NM_001318975.1, NM_001424043.1); short protein forms E216fs, E286fs.
Identifiers: ClinVar variation 5012540 (VCV005012540.1).

ClinVar aggregate classification (germline): Pathogenic (1 of 4 stars; one submission).

Conditions:
Maple syrup urine disease type 1B (MSUD1B). Also called: MSUD type IB; MSUD type 3 (formerly); MSUD due to deficiency of e1-beta subunit of branched-chain alpha-keto acid dehydrogenase complex. Identifiers: MedGen C2930990, MONDO:0023692, OMIM 620698.

Submission:

Myriad Genetics, Inc.
Classification: Pathogenic for Maple syrup urine disease type 1B. Last evaluated: 2023-12-06. Review status: criteria provided, single submitter. Criteria: Myriad Autosomal Dominant, Autosomal Recessive and X-Linked Classification Criteria (2023). Collection method: clinical testing. Allele origin: unknown.
Comment: NM_183050.2(BCKDHB):c.857delA(E286Gfs*2) is expected to be pathogenic in the context of maple syrup urine disease type Ib. This variant is predicted to lead to an abnormal or absent protein product due to the creation of a premature termination codon in BCKDHB, a gene where loss-of-function variants are known to be pathogenic. Please note: this variant was assessed in the context of healthy population screening.